The following is an entry in ClinVar:

NM_002471.4(MYH6):c.342A>G (p.Ile114Met)

Genes: MYH6 (myosin heavy chain 6; minus strand), LOC114827851 (VISTA enhancer hs2155; plus strand). Cytogenetic location: 14q11.2.
Variant type: single nucleotide variant.
Coding change: c.342A>G on transcript NM_002471.4 (MANE Select); coding-DNA position 342, A replaced by G.
Protein change: p.Ile114Met; replaces isoleucine 114 with methionine.
Molecular consequence: missense variant.
Genome position (GRCh38, 1-based): chr14:23,405,630, T>C on the plus strand (A>G on the coding strand, the complement: MYH6 is on the minus strand). VCF-style: chr14-23405630-T-C. GRCh37 (hg19) VCF-style: chr14-23874839-T-C.
Other names: short protein forms I114M.
Identifiers: ClinVar variation 1731336 (VCV001731336.2), dbSNP rs2502208946, ClinGen allele CA389031351.

ClinVar aggregate classification (germline): Uncertain significance (1 of 4 stars; one submission).

Conditions:
Cardiovascular phenotype. Identifiers: MedGen CN230736.

Allele frequency attached by ClinVar (database versions not stated): gnomAD exomes below 0.00001.

Submission:

Ambry Genetics
Classification: Uncertain significance for Cardiovascular phenotype. Last evaluated: 2019-02-06. Review status: criteria provided, single submitter. Criteria: Ambry Variant Classification Scheme 2023. Collection method: clinical testing. Allele origin: germline.
Comment: The p.I114M variant (also known as c.342A>G), located in coding exon 2 of the MYH6 gene, results from an A to G substitution at nucleotide position 342. The isoleucine at codon 114 is replaced by methionine, an amino acid with highly similar properties. This amino acid position is highly conserved in available vertebrate species. In addition, the in silico prediction for this alteration is inconclusive. Since supporting evidence is limited at this time, the clinical significance of this alteration remains unclear.